The following is an entry in ClinVar:

NM_001184.4(ATR):c.197T>A (p.Val66Glu)

Gene: ATR (ATR checkpoint kinase; minus strand). Cytogenetic location: 3q23.
Variant type: single nucleotide variant.
Coding change: c.197T>A on transcript NM_001184.4 (MANE Select); coding-DNA position 197, T replaced by A.
Protein change: p.Val66Glu; replaces valine 66 with glutamic acid.
Molecular consequence: missense variant.
Genome position (GRCh38, 1-based): chr3:142,566,216, A>T on the plus strand (T>A on the coding strand, the complement: ATR is on the minus strand). VCF-style: chr3-142566216-A-T. GRCh37 (hg19) VCF-style: chr3-142285058-A-T.
Other names: c.197T>A, p.Val66Glu (NM_001354579.2); short protein forms V66E.
Identifiers: ClinVar variation 1783787 (VCV001783787.3), dbSNP rs2035066510, ClinGen allele CA354828625.
Genomic context (GRCh38, chr3:142,566,216, plus strand): 5'-ACATTTACAAACATAAGTGGGGAGGATTTCATGATATGCTGGATGAAATCAAGCAACATC[A>T]CGGAGGTTGGCTGAGAGTCAGTTTTCTTTACAAGTTCTACAGCAACTAAAACAATAAGAT-3'
Protein context (NP_001175.2, residues 56-76): VKKTDSQPTS[Val66Glu]MLLDFIQHIM

ClinVar aggregate classification (germline): Uncertain significance (1 of 4 stars; one submission).

Conditions:
Inborn genetic diseases. Identifiers: MedGen C0950123, MeSH D030342.

Allele frequency attached by ClinVar (database versions not stated): TOPMed below 0.00001.

Submission:

Ambry Genetics
Classification: Uncertain significance for Inborn genetic diseases. Last evaluated: 2024-07-17. Review status: criteria provided, single submitter. Criteria: Ambry Variant Classification Scheme 2023. Collection method: clinical testing. Allele origin: germline.
Comment: The p.V66E variant (also known as c.197T>A), located in coding exon 3 of the ATR gene, results from a T to A substitution at nucleotide position 197. The valine at codon 66 is replaced by glutamic acid, an amino acid with dissimilar properties. This amino acid position is conserved. In addition, the in silico prediction for this alteration is inconclusive. Since supporting evidence is limited at this time, the clinical significance of this alteration remains unclear.